The following is an entry in ClinVar:

NM_016065.4(MRPS16):c.16A>C (p.Thr6Pro)

Genes: MRPS16 (mitochondrial ribosomal protein S16; minus strand), DNAJC9-AS1 (DNAJC9 and MRPS16 antisense RNA 1; plus strand). Cytogenetic location: 10q22.2.
Variant type: single nucleotide variant.
Coding change: c.16A>C on transcript NM_016065.4 (MANE Select); coding-DNA position 16, A replaced by C.
Protein change: p.Thr6Pro; replaces threonine 6 with proline.
Molecular consequence: missense variant.
Genome position (GRCh38, 1-based): chr10:73,252,021, T>G on the plus strand (A>C on the coding strand, the complement: MRPS16 is on the minus strand). VCF-style: chr10-73252021-T-G. GRCh37 (hg19) VCF-style: chr10-75011779-T-G.
Other names: short protein forms T6P.
Identifiers: ClinVar variation 1378106 (VCV001378106.7), dbSNP rs141953041, ClinGen allele CA5553439.

ClinVar aggregate classification (germline): Conflicting classifications of pathogenicity. Review status: criteria provided, conflicting classifications (1 of 4 stars). 2 submissions from 2 submitters: Uncertain significance (1); Likely benign (1). Last evaluated 2025-10-08.

Allele frequency attached by ClinVar (database versions not stated): TOPMed 0.00006; gnomAD 0.00007 and 0.00008; ExAC 0.00016.
gnomAD v4.1: 252 of 1,612,998 alleles (0.016%); highest among the groups gnomAD compares: Admixed American, 0.022%; no homozygotes.

Submissions (2):

Labcorp Genetics (formerly Invitae), Labcorp
Classification: Uncertain significance. Last evaluated: 2025-10-08. Review status: criteria provided, single submitter. Criteria: Invitae Variant Classification Sherloc (09022015). Collection method: clinical testing. Allele origin: germline.
Comment: This sequence change replaces threonine, which is neutral and polar, with proline, which is neutral and non-polar, at codon 6 of the MRPS16 protein (p.Thr6Pro). This variant is present in population databases (rs141953041, gnomAD 0.02%). This variant has not been reported in the literature in individuals affected with MRPS16-related conditions. ClinVar contains an entry for this variant (Variation ID: 1378106). An algorithm developed to predict the effect of missense changes on protein structure and function outputs the following: PolyPhen-2: "Benign". The proline amino acid residue is found in multiple mammalian species, which suggests that this missense change does not adversely affect protein function. In summary, the available evidence is currently insufficient to determine the role of this variant in disease. Therefore, it has been classified as a Variant of Uncertain Significance.

Ambry Genetics
Classification: Likely benign. Last evaluated: 2023-01-17. Review status: criteria provided, single submitter. Criteria: Ambry Variant Classification Scheme 2023. Collection method: clinical testing. Allele origin: germline.